The following is an entry in ClinVar:

NM_001164508.2(NEB):c.9884G>A (p.Arg3295Gln)

Gene: NEB (nebulin; minus strand). Cytogenetic location: 2q23.3.
Variant type: single nucleotide variant.
Coding change: c.9884G>A on transcript NM_001164508.2 (MANE Select); coding-DNA position 9884, G replaced by A.
Protein change: p.Arg3295Gln; replaces arginine 3295 with glutamine.
Molecular consequence: missense variant.
Genome position (GRCh38, 1-based): chr2:151,627,782, C>T on the plus strand (G>A on the coding strand, the complement: NEB is on the minus strand). VCF-style: chr2-151627782-C-T. GRCh37 (hg19) VCF-style: chr2-152484296-C-T.
Other names: p.Arg3295Gln; c.9884G>A, p.Arg3295Gln (NM_001164507.2, NM_001271208.2); c.9155G>A, p.Arg3052Gln (NM_004543.5); short protein forms R3052Q, R3295Q.
Identifiers: ClinVar variation 1415845 (VCV001415845.5), dbSNP rs201965465, ClinGen allele CA1909168.
Genomic context (GRCh38, chr2:151,627,782, plus strand): 5'-TCACTCTGGATCTTGGCCACATGCATGGACCACATCATCTTGGGGTCATCTTCAATGTTC[C>T]GGGCTCCAATGTGGTGGCCGAGCTGCTTGCGGTAACCATCTTTGTATTTGTACTGAAATA-3'
Protein context (NP_001157980.2, residues 3285-3305): RKQLGHHIGA[Arg3295Gln]NIEDDPKMMW

ClinVar aggregate classification (germline): Uncertain significance. Review status: criteria provided, multiple submitters, no conflicts (2 of 4 stars). 2 submissions from 2 submitters: Uncertain significance (2). Last evaluated 2025-11-04.

Conditions:
Arthrogryposis multiplex congenita 6. Identifiers: MedGen C5543431, MONDO:0030281, OMIM 619334.
Nemaline myopathy 2 (NEM2). Also called: Nemaline myopathy 2, autosomal recessive. Identifiers: MedGen C1850569, MONDO:0009725, OMIM 256030.

Allele frequency attached by ClinVar (database versions not stated): TOPMed below 0.00001; ExAC 0.00001; gnomAD 0.00001; gnomAD exomes 0.00001 and 0.00002; ESP Exome Variant Server 0.00008.
gnomAD v4.1: 10 of 1,613,786 alleles (0.00062%); highest among the groups gnomAD compares: Admixed American, 0.012%; no homozygotes.

Submissions (2):

Department of Molecular Genetics, Istishari Arab Hospital
Classification: Uncertain significance for Arthrogryposis multiplex congenita 6. Last evaluated: 2025-11-04. Review status: criteria provided, single submitter. Criteria: ACMG Guidelines, 2015. Collection method: clinical testing. Allele origin: germline. Inheritance: Autosomal recessive inheritance. Affected: yes.
Comment: The NEB variant c.9884G>A, p.Arg3295Gln causes an amino acid change from Arg to Gln at position 3295. This variant is observed with very low frequency in the gnomAD v4.1.0 dataset (<0.001) and has not been previously described in the literature. ClinVar lists this variant with interpretation. It is classified as a variant of uncertain significance (class 3) according to the recommendations of ACMG/AMP/ClinGen SVI guidelines.

Labcorp Genetics (formerly Invitae), Labcorp
Classification: Uncertain significance for Nemaline myopathy 2. Last evaluated: 2022-08-23. Review status: criteria provided, single submitter. Criteria: Invitae Variant Classification Sherloc (09022015). Collection method: clinical testing. Allele origin: germline.
Comment: This sequence change replaces arginine, which is basic and polar, with glutamine, which is neutral and polar, at codon 3295 of the NEB protein (p.Arg3295Gln). This variant is present in population databases (rs201965465, gnomAD 0.01%). This variant has not been reported in the literature in individuals affected with NEB-related conditions. ClinVar contains an entry for this variant (Variation ID: 1415845). Algorithms developed to predict the effect of missense changes on protein structure and function are either unavailable or do not agree on the potential impact of this missense change (SIFT: "Deleterious"; PolyPhen-2: "Not Available"; Align-GVGD: "Class C0"). In summary, the available evidence is currently insufficient to determine the role of this variant in disease. Therefore, it has been classified as a Variant of Uncertain Significance.